The following is an entry in ClinVar:

ClinVar aggregate classification (germline): Uncertain significance (1 of 4 stars; one submission).

Conditions:
Tatton-Brown-Rahman overgrowth syndrome. Also called: Tall stature-intellectual disability-facial dysmorphism syndrome; Tatton-Brown-Rahman syndrome. Identifiers: Orphanet 404443, MedGen C4014545, MONDO:0014382, OMIM 615879.

Submission:

Labcorp Genetics (formerly Invitae), Labcorp
Classification: Uncertain significance for Tatton-Brown-Rahman overgrowth syndrome. Last evaluated: 2022-09-18. Review status: criteria provided, single submitter. Criteria: Invitae Variant Classification Sherloc (09022015). Collection method: clinical testing. Allele origin: germline.
Comment: This sequence change replaces isoleucine, which is neutral and non-polar, with threonine, which is neutral and polar, at codon 670 of the DNMT3A protein (p.Ile670Thr). This variant is not present in population databases (gnomAD no frequency). This variant has not been reported in the literature in individuals affected with DNMT3A-related conditions. Advanced modeling of protein sequence and biophysical properties (such as structural, functional, and spatial information, amino acid conservation, physicochemical variation, residue mobility, and thermodynamic stability) has been performed at Invitae for this missense variant, however the output from this modeling did not meet the statistical confidence thresholds required to predict the impact of this variant on DNMT3A protein function. In summary, the available evidence is currently insufficient to determine the role of this variant in disease. Therefore, it has been classified as a Variant of Uncertain Significance.

NM_022552.5(DNMT3A):c.2009T>C (p.Ile670Thr)

Gene: DNMT3A (DNA methyltransferase 3 alpha; minus strand). Cytogenetic location: 2p23.3.
Variant type: single nucleotide variant.
Coding change: c.2009T>C on transcript NM_022552.5 (MANE Select); coding-DNA position 2009, T replaced by C.
Protein change: p.Ile670Thr; replaces isoleucine 670 with threonine.
Molecular consequence: missense variant. On other transcripts: non-coding transcript variant (1).
Genome position (GRCh38, 1-based): chr2:25,241,635, A>G on the plus strand (T>C on the coding strand, the complement: DNMT3A is on the minus strand). VCF-style: chr2-25241635-A-G. GRCh37 (hg19) VCF-style: chr2-25464504-A-G.
Other names: c.1553T>C, p.Ile518Thr (NM_001320893.1); c.1340T>C, p.Ile447Thr (NM_001375819.1); c.1442T>C, p.Ile481Thr (NM_153759.3); c.2009T>C, p.Ile670Thr (NM_175629.2); short protein forms I447T, I481T, I518T, I670T.
Identifiers: ClinVar variation 1719738 (VCV001719738.6), dbSNP rs2465420581, ClinGen allele CA346071291.